The following is an entry in ClinVar:

ClinVar aggregate classification (germline): Uncertain significance. Review status: criteria provided, multiple submitters, no conflicts (2 of 4 stars). 3 submissions from 3 submitters: Uncertain significance (3). Last evaluated 2023-04-09.

Conditions:
Epidermolysis bullosa simplex 5B, with muscular dystrophy (EBS5B). Also called: Epidermolysis bullosa simplex with muscular dystrophy; EPIDERMOLYSIS BULLOSA SIMPLEX AND LIMB-GIRDLE MUSCULAR DYSTROPHY. Identifiers: Orphanet 257, MedGen C2931072, MONDO:0009181, OMIM 226670.
Epidermolysis bullosa simplex, Ogna type (EBS5A). Also called: Pidermolysis bullosa simplex 5A, Ogna type; EPIDERMOLYSIS BULLOSA SIMPLEX 5A, OGNA TYPE. Identifiers: Orphanet 79401, MedGen C0432317, MONDO:0007555, OMIM 131950.
Epidermolysis bullosa simplex with nail dystrophy (EBS5D). Identifiers: MedGen C4225309, MONDO:0014661, OMIM 616487.
Autosomal recessive limb-girdle muscular dystrophy type 2Q (LGMDR17). Also called: MUSCULAR DYSTROPHY, LIMB-GIRDLE, AUTOSOMAL RECESSIVE 17. Identifiers: Orphanet 254361, MedGen C3150989, MONDO:0013390, OMIM 613723.
Epidermolysis bullosa simplex 5C, with pyloric atresia (EBS5C). Also called: PLEC-Related Epidermolysis Bullosa with Pyloric Atresia; Epidermolysis bullosa simplex with pyloric atresia; PLEC1-Related Epidermolysis Bullosa with Pyloric Atresia. Identifiers: Orphanet 158684, MedGen C2677349, MONDO:0012807, OMIM 612138.

Allele frequency attached by ClinVar (database versions not stated): ExAC 0.00001; gnomAD 0.00001 and 0.00002; gnomAD exomes 0.00001 and 0.00002; TOPMed 0.00002.
gnomAD v4.1: 25 of 1,605,740 alleles (0.0016%); highest among the groups gnomAD compares: East Asian, 0.011%; no homozygotes.

Submissions (3):

Labcorp Genetics (formerly Invitae), Labcorp
Classification: Uncertain significance for Autosomal recessive limb-girdle muscular dystrophy type 2Q; Epidermolysis bullosa simplex, Ogna type; Epidermolysis bullosa simplex with nail dystrophy; Epidermolysis bullosa simplex 5C, with pyloric atresia; Epidermolysis bullosa simplex 5B, with muscular dystrophy. Last evaluated: 2023-04-09. Review status: criteria provided, single submitter. Criteria: Invitae Variant Classification Sherloc (09022015). Collection method: clinical testing. Allele origin: germline.
Comment: In summary, the available evidence is currently insufficient to determine the role of this variant in disease. Therefore, it has been classified as a Variant of Uncertain Significance. Advanced modeling of protein sequence and biophysical properties (such as structural, functional, and spatial information, amino acid conservation, physicochemical variation, residue mobility, and thermodynamic stability) performed at Invitae indicates that this missense variant is not expected to disrupt PLEC protein function. ClinVar contains an entry for this variant (Variation ID: 598715). This variant has not been reported in the literature in individuals affected with PLEC-related conditions. This variant is present in population databases (rs782202018, gnomAD 0.009%). This sequence change replaces arginine, which is basic and polar, with tryptophan, which is neutral and slightly polar, at codon 3048 of the PLEC protein (p.Arg3048Trp).

Revvity Omics, Revvity
Classification: Uncertain significance. Last evaluated: 2019-06-12. Review status: criteria provided, single submitter. Criteria: ACMG Guidelines, 2015. Collection method: clinical testing. Allele origin: germline.

Eurofins Ntd Llc (ga)
Classification: Uncertain significance. Last evaluated: 2018-09-14. Review status: criteria provided, single submitter. Criteria: EGL ClinVar v180209 classification definitions. Collection method: clinical testing. Allele origin: germline. Observed: 1 variant allele, 1 heterozygote.

NM_201384.3(PLEC):c.9061C>T (p.Arg3021Trp)

Gene: PLEC (plectin; minus strand). Cytogenetic location: 8q24.3.
Variant type: single nucleotide variant.
Coding change: c.9061C>T on transcript NM_201384.3 (MANE Select); coding-DNA position 9061, C replaced by T.
Protein change: p.Arg3021Trp; replaces arginine 3021 with tryptophan.
Molecular consequence: missense variant.
Genome position (GRCh38, 1-based): chr8:143,920,760, G>A on the plus strand (C>T on the coding strand, the complement: PLEC is on the minus strand). VCF-style: chr8-143920760-G-A. GRCh37 (hg19) VCF-style: chr8-144994928-G-A.
Other names: c.9142C>T (NM_000445.3); c.9142C>T, p.Arg3048Trp (NM_000445.5); c.9019C>T, p.Arg3007Trp (NM_201378.4); c.8995C>T, p.Arg2999Trp (NM_201379.3); c.9472C>T, p.Arg3158Trp (NM_201380.4); c.8965C>T, p.Arg2989Trp (NM_201381.3); c.9061C>T, p.Arg3021Trp (NM_201382.4); c.9073C>T, p.Arg3025Trp (NM_201383.3); short protein forms R3007W, R3021W, R3158W, R3025W, R3048W, R2989W, R2999W.
Identifiers: ClinVar variation 598715 (VCV000598715.14), dbSNP rs782202018, ClinGen allele CA4925091.